The following is an entry in ClinVar:

NM_003002.4(SDHD):c.34G>T (p.Gly12Cys)

Genes: SDHD (succinate dehydrogenase complex subunit D; plus strand), LOC126861339 (BRD4-independent group 4 enhancer GRCh37_chr11:111957035-111958234; plus strand). Cytogenetic location: 11q23.1.
Variant type: single nucleotide variant.
Coding change: c.34G>T on transcript NM_003002.4 (MANE Select); coding-DNA position 34, G replaced by T.
Protein change: p.Gly12Cys; replaces glycine 12 with cysteine.
Molecular consequence: missense variant. On other transcripts: non-coding transcript variant (1).
Genome position (GRCh38, 1-based): chr11:112,086,941, G>T. VCF-style: chr11-112086941-G-T. GRCh37 (hg19) VCF-style: chr11-111957665-G-T.
Other names: c.34G>T, p.Gly12Cys (NM_001276503.2, NM_001276504.2, NM_001276506.2); short protein forms G12C.
Identifiers: ClinVar variation 3753759 (VCV003753759.2).

ClinVar aggregate classification (germline): Uncertain significance (1 of 4 stars; one submission).

Conditions:
Pheochromocytoma. Also called: MAX-Related Hereditary Paraganglioma-Pheochromocytoma Syndrome. Identifiers: Orphanet 29072, MedGen C0031511, MONDO:0008233, OMIM 171300, HP:0002666.
Paragangliomas with sensorineural hearing loss. Identifiers: MedGen C1868633.
Carney-Stratakis syndrome. Also called: PARAGANGLIOMA AND GASTROINTESTINAL STROMAL TUMOR. Identifiers: Orphanet 97286, MedGen C1847319, MONDO:0011740, OMIM 606864.
Cowden syndrome 3 (CWS3). Identifiers: Orphanet 201, MedGen CN166604, MONDO:0014045.

Submission:

Labcorp Genetics (formerly Invitae), Labcorp
Classification: Uncertain significance for Carney-Stratakis syndrome; Paragangliomas with sensorineural hearing loss; Pheochromocytoma; Cowden syndrome 3. Last evaluated: 2024-09-03. Review status: criteria provided, single submitter. Criteria: Invitae Variant Classification Sherloc (09022015). Collection method: clinical testing. Allele origin: germline.
Comment: This sequence change replaces glycine, which is neutral and non-polar, with cysteine, which is neutral and slightly polar, at codon 12 of the SDHD protein (p.Gly12Cys). This variant is not present in population databases (gnomAD no frequency). This variant has not been reported in the literature in individuals affected with SDHD-related conditions. Invitae Evidence Modeling of protein sequence and biophysical properties (such as structural, functional, and spatial information, amino acid conservation, physicochemical variation, residue mobility, and thermodynamic stability) indicates that this missense variant is not expected to disrupt SDHD protein function with a negative predictive value of 95%. In summary, the available evidence is currently insufficient to determine the role of this variant in disease. Therefore, it has been classified as a Variant of Uncertain Significance.